The following is an entry in ClinVar:

ClinVar aggregate classification (germline): Conflicting classifications of pathogenicity. Review status: criteria provided, conflicting classifications (1 of 4 stars). 3 submissions from 3 submitters: Uncertain significance (1); Likely benign (2). Last evaluated 2025-10-27.

Conditions:
Hereditary cancer-predisposing syndrome. Also called: Neoplastic Syndromes, Hereditary; Tumor predisposition; Hereditary Cancer Syndrome; Hereditary neoplastic syndrome. Identifiers: Orphanet 140162, MedGen C0027672, MeSH D009386, MONDO:0015356.
Oligodontia-cancer predisposition syndrome. Also called: TOOTH AGENESIS-COLORECTAL CANCER SYNDROME. Identifiers: Orphanet 300576, MedGen C1837750, MONDO:0012075, OMIM 608615. Disease mechanism: loss of function.

Allele frequency attached by ClinVar (database versions not stated): ExAC 0.00001; gnomAD exomes 0.00001; TOPMed 0.00002; gnomAD 0.00004; ESP Exome Variant Server 0.00008.
gnomAD v4.1: 9 of 1,612,088 alleles (0.00056%); highest among the groups gnomAD compares: African/African-American, 0.012%; no homozygotes.

Submissions (3):

Labcorp Genetics (formerly Invitae), Labcorp
Classification: Likely benign for Oligodontia-cancer predisposition syndrome. Last evaluated: 2025-10-27. Review status: criteria provided, single submitter. Criteria: Invitae Variant Classification Sherloc (09022015). Collection method: clinical testing. Allele origin: germline.

Ambry Genetics
Classification: Likely benign for Hereditary cancer-predisposing syndrome. Last evaluated: 2020-04-20. Review status: criteria provided, single submitter. Criteria: Ambry Variant Classification Scheme 2023. Collection method: clinical testing. Allele origin: germline.

GeneDx
Classification: Uncertain significance. Last evaluated: 2019-05-22. Review status: criteria provided, single submitter. Criteria: GeneDx Variant Classification Process June 2021. Collection method: clinical testing. Allele origin: germline. Affected: yes.
Comment: Has not been previously published as pathogenic or benign to our knowledge

NM_004655.4(AXIN2):c.1776G>C (p.Leu592=)

Gene: AXIN2 (axin 2; minus strand). Cytogenetic location: 17q24.1.
Variant type: single nucleotide variant.
Coding change: c.1776G>C on transcript NM_004655.4 (MANE Select); coding-DNA position 1776, G replaced by C.
Protein change: p.Leu592=; no amino-acid change (leucine 592 retained).
Molecular consequence: synonymous variant. On other transcripts: intron variant (1).
Genome position (GRCh38, 1-based): chr17:65,537,000, C>G on the plus strand (G>C on the coding strand, the complement: AXIN2 is on the minus strand). VCF-style: chr17-65537000-C-G. GRCh37 (hg19) VCF-style: chr17-63533118-C-G.
Other names: c.1776G>C (LRG_296t1); c.1712+324G>C (NM_001363813.1).
Identifiers: ClinVar variation 464570 (VCV000464570.15), dbSNP rs371878937, ClinGen allele CA8718531.